The following is an entry in ClinVar:

NM_024642.5(GALNT12):c.1387C>A (p.Pro463Thr)

Gene: GALNT12 (polypeptide N-acetylgalactosaminyltransferase 12; plus strand). Cytogenetic location: 9q22.33.
Variant type: single nucleotide variant.
Coding change: c.1387C>A on transcript NM_024642.5 (MANE Select); coding-DNA position 1387, C replaced by A.
Protein change: p.Pro463Thr; replaces proline 463 with threonine.
Molecular consequence: missense variant.
Genome position (GRCh38, 1-based): chr9:98,844,138, C>A. VCF-style: chr9-98844138-C-A. GRCh37 (hg19) VCF-style: chr9-101606420-C-A.
Other names: short protein forms P463T.
Identifiers: ClinVar variation 3518487 (VCV003518487.1).
Genomic context (GRCh38, chr9:98,844,138, plus strand): 5'-CATTTATGTTTTATTTAGCTCCAGAACAAAGGACTAACAGACTACTGCTTTGACTATAAC[C>A]CTCCCGATGAAAACCAGATTGTGGGACACCAGGTCATTCTGTACCTCTGTCATGGGATGG-3'
Protein context (NP_078918.3, residues 453-473): GLTDYCFDYN[Pro463Thr]PDENQIVGHQ

ClinVar aggregate classification (germline): Uncertain significance (1 of 4 stars; one submission).

Submission:

Ambry Genetics
Classification: Uncertain significance. Last evaluated: 2024-07-23. Review status: criteria provided, single submitter. Criteria: Ambry Variant Classification Scheme 2023. Collection method: clinical testing. Allele origin: germline.
Comment: The p.P463T variant (also known as c.1387C>A), located in coding exon 8 of the GALNT12 gene, results from a C to A substitution at nucleotide position 1387. The proline at codon 463 is replaced by threonine, an amino acid with highly similar properties. This amino acid position is conserved. In addition, the in silico prediction for this alteration is inconclusive. Based on the available evidence, the clinical significance of this variant remains unclear.